The following is an entry in ClinVar:

NM_000525.4(KCNJ11):c.936C>T (p.Gly312=)

Gene: KCNJ11 (potassium inwardly rectifying channel subfamily J member 11; minus strand). Cytogenetic location: 11p15.1.
Variant type: single nucleotide variant.
Coding change: c.936C>T on transcript NM_000525.4 (MANE Select); coding-DNA position 936, C replaced by T.
Protein change: p.Gly312=; no amino-acid change (glycine 312 retained).
Molecular consequence: synonymous variant.
Genome position (GRCh38, 1-based): chr11:17,387,156, G>A on the plus strand (C>T on the coding strand, the complement: KCNJ11 is on the minus strand). VCF-style: chr11-17387156-G-A. GRCh37 (hg19) VCF-style: chr11-17408703-G-A.
Other names: c.675C>T, p.Gly225= (NM_001166290.2, NM_001377296.1, NM_001377297.1).
Identifiers: ClinVar variation 742370 (VCV000742370.10), dbSNP rs139445409, ClinGen allele CA5902216.
Genomic context (GRCh38, chr11:17,387,156, plus strand): 5'-CTTGGAGTAGTCCACAGAGTAACGTCCGTCCTCCTCAGCTACAATGGGCACAAAGCGCTG[G>A]CCCCACAGGATCTCATCGGCCAGGTAGGAGGTGCGGGCCTGGGTGGTGATGCCCGTGGTT-3'
Protein context (NP_000516.3, residues 302-322): TSYLADEILW[Gly312=]QRFVPIVAEE

ClinVar aggregate classification (germline): Conflicting classifications of pathogenicity. Review status: criteria provided, conflicting classifications (1 of 4 stars). 3 submissions from 3 submitters: Uncertain significance (1); Likely benign (2). Last evaluated 2025-01-27.

Conditions:
Maturity-onset diabetes of the young (MODY). Also called: Maturity onset diabetes mellitus in young. Identifiers: Orphanet 552, MedGen C0342276, MONDO:0018911, HP:0004904.

Allele frequency attached by ClinVar (database versions not stated): gnomAD exomes below 0.00001 and 0.00002; ExAC 0.00002; gnomAD 0.00003; TOPMed 0.00004; ESP Exome Variant Server 0.00008.

Submissions (3):

Labcorp Genetics (formerly Invitae), Labcorp
Classification: Likely benign. Last evaluated: 2025-01-27. Review status: criteria provided, single submitter. Criteria: Invitae Variant Classification Sherloc (09022015). Collection method: clinical testing. Allele origin: germline.

Women's Health and Genetics/Laboratory Corporation of America, LabCorp
Classification: Likely benign. Last evaluated: 2021-07-08. Review status: criteria provided, single submitter. Criteria: LabCorp Variant Classification Summary - May 2015. Collection method: clinical testing. Allele origin: germline.

Clinical Genomics, Uppaluri K&H Personalized Medicine Clinic
Classification: Uncertain significance for Maturity-onset diabetes of the young. Review status: criteria provided, single submitter. Criteria: K&H Uppaluri Personalized Medicine Clinic Variant Classification & Assertion Criteria. Collection method: research. Allele origin: somatic. Inheritance: Autosomal dominant inheritance.
Comment: Mutations in KCNJ11 gene can cause decreased production and secretion of insulin. This can lead to MODY which may be responsive to oral sulfonylureas. It is also associated with Neonatal Diabetes. However, no sufficient evidence is found to ascertain the role of rs139445409 variant in MODY yet.

Literature cited by the submitters: PubMed 26448950 (cited by Clinical Genomics, Uppaluri K&H Personalized Medicine Clinic); PubMed 15718250 (cited by Clinical Genomics, Uppaluri K&H Personalized Medicine Clinic); PubMed 15580558 (cited by Clinical Genomics, Uppaluri K&H Personalized Medicine Clinic); PubMed 32935446 (cited by Clinical Genomics, Uppaluri K&H Personalized Medicine Clinic); PubMed 22701567 (cited by Clinical Genomics, Uppaluri K&H Personalized Medicine Clinic).